The following is an entry in ClinVar:

ClinVar aggregate classification (germline): Uncertain significance (1 of 4 stars; one submission).

Conditions:
Combined immunodeficiency due to CD3gamma deficiency. Also called: Immunodeficiency 17; CD3-GAMMA DEFICIENCY; SCID-LIKE IMMUNODEFICIENCY, T CELL-PARTIAL, B CELL-POSITIVE, NK CELL-POSITIVE; Immunodeficiency 17, CD3 gamma deficient. Identifiers: Orphanet 169082, MedGen C3810107, MONDO:0014276, OMIM 615607.

Allele frequency attached by ClinVar (database versions not stated): gnomAD exomes below 0.00001.
gnomAD v4.1: 1 of 1,570,228 alleles (0.000064%); highest among the groups gnomAD compares: African/African-American, 0.0013%; no homozygotes.

Submission:

Labcorp Genetics (formerly Invitae), Labcorp
Classification: Uncertain significance for Combined immunodeficiency due to CD3gamma deficiency. Last evaluated: 2024-10-21. Review status: criteria provided, single submitter. Criteria: Invitae Variant Classification Sherloc (09022015). Collection method: clinical testing. Allele origin: germline.
Comment: This sequence change replaces alanine, which is neutral and non-polar, with threonine, which is neutral and polar, at codon 13 of the CD3G protein (p.Ala13Thr). This variant is not present in population databases (gnomAD no frequency). This variant has not been reported in the literature in individuals affected with CD3G-related conditions. ClinVar contains an entry for this variant (Variation ID: 845191). An algorithm developed to predict the effect of missense changes on protein structure and function outputs the following: PolyPhen-2: "Benign". The threonine amino acid residue is found in multiple mammalian species, which suggests that this missense change does not adversely affect protein function. In summary, the available evidence is currently insufficient to determine the role of this variant in disease. Therefore, it has been classified as a Variant of Uncertain Significance.

NM_000073.3(CD3G):c.37G>A (p.Ala13Thr)

Gene: CD3G (CD3 gamma subunit of T-cell receptor complex; plus strand). Cytogenetic location: 11q23.3.
Variant type: single nucleotide variant.
Coding change: c.37G>A on transcript NM_000073.3 (MANE Select); coding-DNA position 37, G replaced by A.
Protein change: p.Ala13Thr; replaces alanine 13 with threonine.
Molecular consequence: missense variant.
Genome position (GRCh38, 1-based): chr11:118,344,460, G>A. VCF-style: chr11-118344460-G-A. GRCh37 (hg19) VCF-style: chr11-118215175-G-A.
Other names: short protein forms A13T.
Identifiers: ClinVar variation 845191 (VCV000845191.9), dbSNP rs1948336348, ClinGen allele CA382791654.